The following is an entry in ClinVar:

ClinVar aggregate classification (germline): Uncertain significance. Review status: criteria provided, multiple submitters, no conflicts (2 of 4 stars). 2 submissions from 2 submitters: Uncertain significance (2). Last evaluated 2026-08-28.

Conditions:
Lethal congenital glycogen storage disease of heart. Also called: GLYCOGEN STORAGE DISEASE OF HEART; PHOSPHORYLASE KINASE DEFICIENCY OF HEART. Identifiers: Orphanet 439854, MedGen C1849813, MONDO:0009867, OMIM 261740.
Cardiovascular phenotype. Identifiers: MedGen CN230736.

Submissions (2):

Ambry Genetics
Classification: Uncertain significance for Cardiovascular phenotype. Last evaluated: 2026-08-28. Review status: criteria provided, single submitter. Criteria: Ambry Variant Classification Scheme 2023. Collection method: clinical testing. Allele origin: germline.
Comment: The p.R61L variant (also known as c.182G>T), located in coding exon 2 of the PRKAG2 gene, results from a G to T substitution at nucleotide position 182. The arginine at codon 61 is replaced by leucine, an amino acid with dissimilar properties. This amino acid position is highly conserved in available vertebrate species. In addition, the in silico prediction for this alteration is inconclusive. Based on the available evidence, the clinical significance of this variant remains unclear.

Labcorp Genetics (formerly Invitae), Labcorp
Classification: Uncertain significance for Lethal congenital glycogen storage disease of heart. Last evaluated: 2023-12-21. Review status: criteria provided, single submitter. Criteria: Invitae Variant Classification Sherloc (09022015). Collection method: clinical testing. Allele origin: germline.
Comment: This sequence change replaces arginine, which is basic and polar, with leucine, which is neutral and non-polar, at codon 61 of the PRKAG2 protein (p.Arg61Leu). This variant is not present in population databases (gnomAD no frequency). This variant has not been reported in the literature in individuals affected with PRKAG2-related conditions. Advanced modeling of protein sequence and biophysical properties (such as structural, functional, and spatial information, amino acid conservation, physicochemical variation, residue mobility, and thermodynamic stability) has been performed at Invitae for this missense variant, however the output from this modeling did not meet the statistical confidence thresholds required to predict the impact of this variant on PRKAG2 protein function. In summary, the available evidence is currently insufficient to determine the role of this variant in disease. Therefore, it has been classified as a Variant of Uncertain Significance.

NM_016203.4(PRKAG2):c.182G>T (p.Arg61Leu)

Gene: PRKAG2 (protein kinase AMP-activated non-catalytic subunit gamma 2; minus strand). Cytogenetic location: 7q36.1.
Variant type: single nucleotide variant.
Coding change: c.182G>T on transcript NM_016203.4 (MANE Select); coding-DNA position 182, G replaced by T.
Protein change: p.Arg61Leu; replaces arginine 61 with leucine.
Molecular consequence: missense variant. On other transcripts: intron variant (1).
Genome position (GRCh38, 1-based): chr7:151,786,474, C>A on the plus strand (G>T on the coding strand, the complement: PRKAG2 is on the minus strand). VCF-style: chr7-151786474-C-A. GRCh37 (hg19) VCF-style: chr7-151483560-C-A.
Other names: c.50G>T, p.Arg17Leu (NM_001040633.2, NM_001407024.1, NM_001407026.1 and 2 more transcripts); c.182G>T, p.Arg61Leu (NM_001407021.1, NM_001407022.1, NM_001407023.1 and 2 more transcripts); c.148+27942G>T (NM_001407032.1); c.182G>T (NM_016203.3); short protein forms R61L, R17L.
Identifiers: ClinVar variation 2989616 (VCV002989616.4), dbSNP rs564358410, ClinGen allele CA370069983.